The following is an entry in ClinVar:

NM_002890.3(RASA1):c.2795T>C (p.Leu932Ser)

Genes: CCNH (cyclin H; minus strand), RASA1 (RAS p21 protein activator 1; plus strand). Cytogenetic location: 5q14.3.
Variant type: single nucleotide variant.
Coding change: c.2795T>C on transcript NM_002890.3 (MANE Select); coding-DNA position 2795, T replaced by C.
Protein change: p.Leu932Ser; replaces leucine 932 with serine.
Molecular consequence: missense variant. On other transcripts: intron variant (1).
Genome position (GRCh38, 1-based): chr5:87,385,337, T>C. VCF-style: chr5-87385337-T-C. GRCh37 (hg19) VCF-style: chr5-86681154-T-C.
Other names: c.2264T>C, p.Leu755Ser (NM_022650.3); c.933+9707A>G (NM_001364075.2); short protein forms L932S, L755S.
Identifiers: ClinVar variation 464863 (VCV000464863.9), dbSNP rs1554050426, ClinGen allele CA360386629.

ClinVar aggregate classification (germline): Uncertain significance (1 of 4 stars; one submission).

Conditions:
Capillary malformation-arteriovenous malformation syndrome. Also called: Capillary malformation-arteriovenous malformation. Identifiers: Orphanet 137667, MedGen C1842180, MONDO:0012016.

Submission:

Labcorp Genetics (formerly Invitae), Labcorp
Classification: Uncertain significance for Capillary malformation-arteriovenous malformation syndrome. Last evaluated: 2017-08-08. Review status: criteria provided, single submitter. Criteria: Invitae Variant Classification Sherloc (09022015). Collection method: clinical testing. Allele origin: germline.
Comment: This variant has not been reported in the literature in individuals with a RASA1-related disease. This variant is not present in population databases (ExAC no frequency). This sequence change replaces leucine with serine at codon 932 of the RASA1 protein (p.Leu932Ser). The leucine residue is highly conserved and there is a large physicochemical difference between leucine and serine. Algorithms developed to predict the effect of missense changes on protein structure and function (SIFT, PolyPhen-2, Align-GVGD) all suggest that this variant is likely to be disruptive, but these predictions have not been confirmed by published functional studies and their clinical significance is uncertain. In summary, this variant has uncertain impact on RASA1 function. The available evidence is currently insufficient to determine its role in disease. Therefore, it has been classified as a Variant of Uncertain Significance.